The following is an entry in ClinVar:

NM_000061.3(BTK):c.465C>A (p.Cys155Ter)

Gene: BTK (Bruton tyrosine kinase; minus strand). Cytogenetic location: Xq22.1.
Variant type: single nucleotide variant.
Coding change: c.465C>A on transcript NM_000061.3 (MANE Select); coding-DNA position 465, C replaced by A.
Protein change: p.Cys155Ter; replaces cysteine 155 with a stop codon.
Molecular consequence: nonsense.
Genome position (GRCh38, 1-based): chrX:101,362,616, G>T on the plus strand (C>A on the coding strand, the complement: BTK is on the minus strand). VCF-style: chrX-101362616-G-T. GRCh37 (hg19) VCF-style: chrX-100617604-G-T.
Other names: c.567C>A, p.Cys189Ter (NM_001287344.2); c.465C>A, p.Cys155Ter (NM_001287345.2); short protein forms C155*, C189*.
Identifiers: ClinVar variation 942552 (VCV000942552.9), dbSNP rs1926710166, ClinGen allele CA413935249.

ClinVar aggregate classification (germline): Pathogenic. Review status: criteria provided, single submitter (1 of 4 stars). 2 submissions from 2 submitters: Pathogenic (1). 1 of the submissions does not count toward it. Last evaluated 2019-09-27.

Conditions:
X-linked agammaglobulinemia (XLA). Also called: Agammaglobulinemia, Bruton tyrosine kinase; Agammaglobulinemia, BTK; BTK-deficiency; IMMUNODEFICIENCY 1; Bruton's agammaglobulinemia; AGAMMAGLOBULINEMIA, X-LINKED, TYPE 1. Identifiers: Orphanet 229717, Orphanet 47, MedGen C0221026, MONDO:0010421, OMIM 300755.
X-linked agammaglobulinemia with growth hormone deficiency (IGHD3). Also called: FLEISHER SYNDROME; HYPOGAMMAGLOBULINEMIA AND ISOLATED GROWTH HORMONE DEFICIENCY, X-LINKED; IGHD III; AGAMMAGLOBULINEMIA AND ISOLATED GROWTH HORMONE DEFICIENCY, X-LINKED; Isolated growth hormone deficiency type 3; Growth hormone deficiency with hypogammaglobulinemia. Identifiers: Orphanet 231692, Orphanet 631, MedGen C0472813, MONDO:0010615, OMIM 307200.

Submissions (2):

Labcorp Genetics (formerly Invitae), Labcorp
Classification: Pathogenic for X-linked agammaglobulinemia with growth hormone deficiency. Last evaluated: 2019-09-27. Review status: criteria provided, single submitter. Criteria: Invitae Variant Classification Sherloc (09022015). Collection method: clinical testing. Allele origin: germline.
Comment: For these reasons, this variant has been classified as Pathogenic. Loss-of-function variants in BTK are known to be pathogenic (PMID: 15661032, 16862044, 19419768). This variant has not been reported in the literature in individuals with BTK-related conditions. This variant is not present in population databases (ExAC no frequency). This sequence change creates a premature translational stop signal (p.Cys155*) in the BTK gene. It is expected to result in an absent or disrupted protein product.

Laboratory of Research in Genomics, Genetics and Bioinformatics, Hospital Infantil de Mexico Federico Gomez
Classification: Pathogenic for X-linked agammaglobulinemia. Last evaluated: 2025-04-08. Review status: no assertion criteria provided. Collection method: research. Allele origin: germline. Affected: yes. Not counted in ClinVar's aggregate classification.

Literature cited by the submitters: PubMed 15661032 (cited by Labcorp Genetics (formerly Invitae), Labcorp); PubMed 16862044 (cited by Labcorp Genetics (formerly Invitae), Labcorp); PubMed 19419768 (cited by Labcorp Genetics (formerly Invitae), Labcorp).